The following is an entry in ClinVar:

NM_006164.5(NFE2L2):c.257T>C (p.Ile86Thr)

Gene: NFE2L2 (NFE2 like bZIP transcription factor 2; minus strand). Cytogenetic location: 2q31.2.
Variant type: single nucleotide variant.
Coding change: c.257T>C on transcript NM_006164.5 (MANE Select); coding-DNA position 257, T replaced by C.
Protein change: p.Ile86Thr; replaces isoleucine 86 with threonine.
Molecular consequence: missense variant. On other transcripts: intron variant (2).
Genome position (GRCh38, 1-based): chr2:177,234,060, A>G on the plus strand (T>C on the coding strand, the complement: NFE2L2 is on the minus strand). VCF-style: chr2-177234060-A-G. GRCh37 (hg19) VCF-style: chr2-178098788-A-G.
Other names: c.209T>C, p.Ile70Thr (NM_001145412.3, NM_001145413.3, NM_001313900.1 and 1 more transcripts); c.257T>C, p.Ile86Thr (NM_001313902.2); c.12+16T>C (NM_001313904.1); c.93+164T>C (NM_001313903.2); short protein forms I70T, I86T.
Identifiers: ClinVar variation 3252998 (VCV003252998.1), dbSNP rs2105458422.
Genomic context (GRCh38, chr2:177,234,060, plus strand): 5'-TGTACCTGGGAGTAGTTGGCAGATCCACTGGTTTCTGACTGGATGTGCTGGGCTGGCTGA[A>G]TTGGGAGAAATTCACCTGTCTCTTCATCTAGTTGTAACTGAGCGAAAAAGGCTTTCTCTT-3'
Protein context (NP_006155.2, residues 76-96): LDEETGEFLP[Ile86Thr]QPAQHIQSET

ClinVar aggregate classification (germline): Uncertain significance (1 of 4 stars; one submission).

Submission:

GeneDx
Classification: Uncertain significance. Last evaluated: 2023-10-06. Review status: criteria provided, single submitter. Criteria: GeneDx Variant Classification Process June 2021. Collection method: clinical testing. Allele origin: germline. Affected: yes.
Comment: Not observed at significant frequency in large population cohorts (gnomAD); In silico analysis supports that this missense variant does not alter protein structure/function; Has not been previously published as pathogenic or benign to our knowledge